The following is an entry in ClinVar:

NM_198075.4(LRRC56):c.1085C>T (p.Pro362Leu)

Gene: LRRC56 (leucine rich repeat containing 56; plus strand). Cytogenetic location: 11p15.5.
Variant type: single nucleotide variant.
Coding change: c.1085C>T on transcript NM_198075.4 (MANE Select); coding-DNA position 1085, C replaced by T.
Protein change: p.Pro362Leu; replaces proline 362 with leucine.
Molecular consequence: missense variant.
Genome position (GRCh38, 1-based): chr11:552,136, C>T. VCF-style: chr11-552136-C-T. GRCh37 (hg19) VCF-style: chr11-552136-C-T.
Other names: c.1085C>T (NM_198075.3); short protein forms P362L.
Identifiers: ClinVar variation 1644794 (VCV001644794.11), dbSNP rs141801417, ClinGen allele CA5779949.
Genomic context (GRCh38, chr11:552,136, plus strand): 5'-CTTTTCCTCCCCAGGCCAGGGAGCCCCCCGAGCAGCTGCCCCAACACAGGCCAGGAGATC[C>T]GGCCGCCAGCACTTCCACCCCAGAGCCTGACCCTGCAGACAGCTCTGACTTCCTGGCCTT-3'
Protein context (NP_932341.1, residues 352-372): EQLPQHRPGD[Pro362Leu]AASTSTPEPD

ClinVar aggregate classification (germline): Likely benign. Review status: criteria provided, multiple submitters, no conflicts (2 of 4 stars). 3 submissions from 3 submitters: Likely benign (2). 1 of the submissions does not count toward it. Last evaluated 2026-01-23.

Conditions:
LRRC56-related disorder. Also called: LRRC56-related condition.

Allele frequency attached by ClinVar (database versions not stated): gnomAD exomes 0.00012 and 0.00028; 1000 Genomes Project 0.00040; ExAC 0.00040; 1000 Genomes Project 30x 0.00047; ESP Exome Variant Server 0.00115; gnomAD 0.00119 and 0.00131; TOPMed 0.00135.
gnomAD v4.1: 353 of 1,612,598 alleles (0.022%); highest among the groups gnomAD compares: African/African-American, 0.43%; no homozygotes.

Submissions (3):

Labcorp Genetics (formerly Invitae), Labcorp
Classification: Likely benign. Last evaluated: 2026-01-23. Review status: criteria provided, single submitter. Criteria: Invitae Variant Classification Sherloc (09022015). Collection method: clinical testing. Allele origin: germline.

Ambry Genetics
Classification: Likely benign. Last evaluated: 2025-08-03. Review status: criteria provided, single submitter. Criteria: Ambry Variant Classification Scheme 2023. Collection method: clinical testing. Allele origin: germline.

PreventionGenetics, part of Exact Sciences
Classification: Likely benign for LRRC56-related condition. Last evaluated: 2022-05-17. Review status: no assertion criteria provided. Collection method: clinical testing. Allele origin: germline. Not counted in ClinVar's aggregate classification.
Comment: This variant is classified as likely benign based on ACMG/AMP sequence variant interpretation guidelines (Richards et al. 2015 PMID: 25741868, with internal and published modifications).